The following is an entry in ClinVar:

ClinVar aggregate classification (germline): Likely benign. Review status: criteria provided, multiple submitters, no conflicts (2 of 4 stars). 2 submissions from 2 submitters: Likely benign (2). Last evaluated 2025-08-06.

Conditions:
Prostate cancer, hereditary, 9 (HPC9). Identifiers: Orphanet 1331, MedGen C1970250, MONDO:0012597, OMIM 610997.

Allele frequency attached by ClinVar (database versions not stated): gnomAD exomes below 0.00001 and 0.00001.

Submissions (2):

Labcorp Genetics (formerly Invitae), Labcorp
Classification: Likely benign. Last evaluated: 2025-08-06. Review status: criteria provided, single submitter. Criteria: Invitae Variant Classification Sherloc (09022015). Collection method: clinical testing. Allele origin: germline.

Myriad Genetics, Inc.
Classification: Likely benign for Prostate cancer, hereditary, 9. Last evaluated: 2024-10-30. Review status: criteria provided, single submitter. Criteria: Myriad Autosomal Dominant, Autosomal Recessive and X-Linked Classification Criteria (2023). Collection method: clinical testing. Allele origin: unknown.
Comment: This variant is considered likely benign. This variant is intronic and is not expected to impact mRNA splicing.

NM_006361.6(HOXB13):c.601+9A>G

Gene: HOXB13 (homeobox B13; minus strand). Cytogenetic location: 17q21.32.
Variant type: single nucleotide variant.
Coding change: c.601+9A>G on transcript NM_006361.6 (MANE Select); 9 bases into the intron after coding-DNA position 601, A replaced by G.
Molecular consequence: intron variant.
Genome position (GRCh38, 1-based): chr17:48,727,984, T>C on the plus strand (A>G on the coding strand, the complement: HOXB13 is on the minus strand). VCF-style: chr17-48727984-T-C. GRCh37 (hg19) VCF-style: chr17-46805346-T-C.
Identifiers: ClinVar variation 1125007 (VCV001125007.10), dbSNP rs1166633581, ClinGen allele CA626687057.